The following is an entry in ClinVar:

ClinVar aggregate classification (germline): Uncertain significance (1 of 4 stars; one submission).

gnomAD v4.1: 1 of 1,613,316 alleles (0.000062%); highest among the groups gnomAD compares: African/African-American, 0.0013%; no homozygotes.

Submission:

Labcorp Genetics (formerly Invitae), Labcorp
Classification: Uncertain significance. Last evaluated: 2024-02-17. Review status: criteria provided, single submitter. Criteria: Invitae Variant Classification Sherloc (09022015). Collection method: clinical testing. Allele origin: germline.
Comment: This sequence change replaces leucine, which is neutral and non-polar, with phenylalanine, which is neutral and non-polar, at codon 618 of the LPIN1 protein (p.Leu618Phe). This variant is present in population databases (no rsID available, gnomAD 0.007%). This variant has not been reported in the literature in individuals affected with LPIN1-related conditions. ClinVar contains an entry for this variant (Variation ID: 2041619). Advanced modeling of protein sequence and biophysical properties (such as structural, functional, and spatial information, amino acid conservation, physicochemical variation, residue mobility, and thermodynamic stability) performed at Invitae indicates that this missense variant is not expected to disrupt LPIN1 protein function with a negative predictive value of 80%. In summary, the available evidence is currently insufficient to determine the role of this variant in disease. Therefore, it has been classified as a Variant of Uncertain Significance.

NM_001349206.2(LPIN1):c.1960C>T (p.Leu654Phe)

Gene: LPIN1 (lipin 1; plus strand). Cytogenetic location: 2p25.1.
Variant type: single nucleotide variant.
Coding change: c.1960C>T on transcript NM_001349206.2 (MANE Select); coding-DNA position 1960, C replaced by T.
Protein change: p.Leu654Phe; replaces leucine 654 with phenylalanine.
Molecular consequence: missense variant. On other transcripts: non-coding transcript variant (1).
Genome position (GRCh38, 1-based): chr2:11,802,980, C>T. VCF-style: chr2-11802980-C-T. GRCh37 (hg19) VCF-style: chr2-11943106-C-T.
Other names: c.2050C>T, p.Leu684Phe (NM_001349207.2); c.1999C>T, p.Leu667Phe (NM_001349208.2); c.1852C>T, p.Leu618Phe (NM_145693.4, NM_001349199.2); c.1870C>T, p.Leu624Phe (NM_001261427.3); c.2107C>T, p.Leu703Phe (NM_001261428.3); c.1930C>T, p.Leu644Phe (NM_001349200.2, NM_001349201.2); c.1957C>T, p.Leu653Phe (NM_001349202.2, NM_001349203.2); c.1960C>T, p.Leu654Phe (NM_001349204.2, NM_001349205.2); short protein forms L624F, L667F, L618F, L653F, L684F, L703F, L654F, L644F.
Identifiers: ClinVar variation 2041619 (VCV002041619.4), dbSNP rs1362691901, ClinGen allele CA345853857.